The following is an entry in ClinVar:

NM_002470.4(MYH3):c.205-12_205-7dup

Gene: MYH3 (myosin heavy chain 3; minus strand). Cytogenetic location: 17p13.1.
Variant type: Duplication.
Coding change: c.205-12_205-7dup on transcript NM_002470.4 (MANE Select); 12 bases into the intron before coding-DNA position 205 through 7 bases into the intron before coding-DNA position 205, 6 bases duplicated (CTTCCT; older notation c.205-12_205-7dupCTTCCT).
Molecular consequence: intron variant.
Genome position (GRCh38, 1-based): chr17:10,652,570-10,652,575, AGGAAG duplicated on the plus strand (CTTCCT on the coding strand, the reverse complement: MYH3 is on the minus strand); duplicating any 6 consecutive bases within chr17:10,652,570-10,652,578 gives the same sequence; the c. name uses the placement nearest the transcript's 3' end. VCF-style (leftmost placement, unchanged base first): chr17-10652569-A-AAGGAAG. GRCh37 (hg19) VCF-style: chr17-10555886-A-AAGGAAG.
Other names: c.205-12_205-7dupCTTCCT (NM_002470.4).
Identifiers: ClinVar variation 2077705 (VCV002077705.5), dbSNP rs2508647897, ClinGen allele CA2580092514.

ClinVar aggregate classification (germline): Likely benign. Review status: criteria provided, multiple submitters, no conflicts (2 of 4 stars). 2 submissions from 2 submitters: Likely benign (2). Last evaluated 2025-10-23.

Submissions (2):

Women's Health and Genetics/Laboratory Corporation of America, LabCorp
Classification: Likely benign. Last evaluated: 2025-10-23. Review status: criteria provided, single submitter. Criteria: LabCorp Variant Classification Summary - May 2015. Collection method: clinical testing. Allele origin: germline.
Comment: Variant summary: MYH3 c.205-12_205-7dupCTTCCT alters a non-conserved nucleotide located at a position not widely known to affect splicing. Consensus agreement among computation tools predict no significant impact on normal splicing. However, these predictions have yet to be confirmed by functional studies. The variant was absent in 251312 control chromosomes. The available data on variant occurrences in the general population are insufficient to allow any conclusion about variant significance. To our knowledge, no occurrence of c.205-12_205-7dupCTTCCT in individuals affected with MYH3-related conditions and no experimental evidence demonstrating its impact on protein function have been reported. ClinVar contains an entry for this variant (Variation ID: 2077705). Based on the evidence outlined above, the variant was classified as likely benign.

Labcorp Genetics (formerly Invitae), Labcorp
Classification: Likely benign. Last evaluated: 2022-08-23. Review status: criteria provided, single submitter. Criteria: Invitae Variant Classification Sherloc (09022015). Collection method: clinical testing. Allele origin: germline.